The following is an entry in ClinVar:

ClinVar aggregate classification (germline): Uncertain significance. Review status: criteria provided, multiple submitters, no conflicts (2 of 4 stars). 2 submissions from 2 submitters: Uncertain significance (2). Last evaluated 2025-12-17.

Conditions:
Inborn genetic diseases. Identifiers: MedGen C0950123, MeSH D030342.

Allele frequency attached by ClinVar (database versions not stated): ExAC 0.00010; 1000 Genomes Project 30x 0.00016; 1000 Genomes Project 0.00020.
gnomAD v4.1: 133 of 1,587,984 alleles (0.0084%); highest among the groups gnomAD compares: Admixed American, 0.012%; no homozygotes.

Submissions (2):

Labcorp Genetics (formerly Invitae), Labcorp
Classification: Uncertain significance. Last evaluated: 2025-12-17. Review status: criteria provided, single submitter. Criteria: Invitae Variant Classification Sherloc (09022015). Collection method: clinical testing. Allele origin: germline.
Comment: This sequence change replaces arginine, which is basic and polar, with tryptophan, which is neutral and slightly polar, at codon 507 of the MLPH protein (p.Arg507Trp). This variant is present in population databases (rs143701698, gnomAD 0.01%). This variant has not been reported in the literature in individuals affected with MLPH-related conditions. ClinVar contains an entry for this variant (Variation ID: 2561153). An algorithm developed to predict the effect of missense changes on protein structure and function (PolyPhen-2) suggests that this variant is likely to be disruptive. In summary, the available evidence is currently insufficient to determine the role of this variant in disease. Therefore, it has been classified as a Variant of Uncertain Significance.

Ambry Genetics
Classification: Uncertain significance for Inborn genetic diseases. Last evaluated: 2023-03-24. Review status: criteria provided, single submitter. Criteria: Ambry Variant Classification Scheme 2023. Collection method: clinical testing. Allele origin: germline.

NM_024101.7(MLPH):c.1519C>T (p.Arg507Trp)

Gene: MLPH (melanophilin; plus strand). Cytogenetic location: 2q37.3.
Variant type: single nucleotide variant.
Coding change: c.1519C>T on transcript NM_024101.7 (MANE Select); coding-DNA position 1519, C replaced by T.
Protein change: p.Arg507Trp; replaces arginine 507 with tryptophan.
Molecular consequence: missense variant. On other transcripts: non-coding transcript variant (1).
Genome position (GRCh38, 1-based): chr2:237,542,639, C>T. VCF-style: chr2-237542639-C-T. GRCh37 (hg19) VCF-style: chr2-238451282-C-T.
Other names: c.1435C>T, p.Arg479Trp (NM_001042467.3); c.1159C>T, p.Arg387Trp (NM_001281473.2); c.1090C>T, p.Arg364Trp (NM_001281474.2); short protein forms R479W, R364W, R387W, R507W.
Identifiers: ClinVar variation 2561153 (VCV002561153.3), dbSNP rs143701698, ClinGen allele CA2190634.
Genomic context (GRCh38, chr2:237,542,639, plus strand): 5'-GAATCCAGGATTGCAGCCCTGAGGGCCGCAGGGCTCACGGTGAAGCCCTCGGGAAAGCCC[C>T]GGAGGAAGTCAAACCTCCCGGTGAGTGGGGGGCAGTGGTGAGTGGAGACAGTGCTGAGTG-3'
Protein context (NP_077006.1, residues 497-517): GLTVKPSGKP[Arg507Trp]RKSNLPIFLP